The following is an entry in ClinVar:

ClinVar aggregate classification (germline): Likely benign (0 of 4 stars; one submission).

Conditions:
TMEM94-related disorder. Also called: TMEM94-related condition.

Allele frequency attached by ClinVar (database versions not stated): gnomAD exomes 0.00003; TOPMed 0.00004; gnomAD 0.00005; ExAC 0.00008; 1000 Genomes Project 30x 0.00031; 1000 Genomes Project 0.00040.
gnomAD v4.1: 58 of 1,613,788 alleles (0.0036%); highest among the groups gnomAD compares: East Asian, 0.11%; no homozygotes.

Submission:

PreventionGenetics, part of Exact Sciences
Classification: Likely benign for TMEM94-related condition. Last evaluated: 2019-08-15. Review status: no assertion criteria provided. Collection method: clinical testing. Allele origin: germline.
Comment: This variant is classified as likely benign based on ACMG/AMP sequence variant interpretation guidelines (Richards et al. 2015 PMID: 25741868, with internal and published modifications).

NM_014738.6(TMEM94):c.2772G>A (p.Glu924=)

Gene: TMEM94 (transmembrane protein 94; plus strand). Cytogenetic location: 17q25.1.
Variant type: single nucleotide variant.
Coding change: c.2772G>A on transcript NM_014738.6 (MANE Select); coding-DNA position 2772, G replaced by A.
Protein change: p.Glu924=; no amino-acid change (glutamic acid 924 retained).
Molecular consequence: synonymous variant.
Genome position (GRCh38, 1-based): chr17:75,495,327, G>A. VCF-style: chr17-75495327-G-A. GRCh37 (hg19) VCF-style: chr17-73491408-G-A.
Other names: c.2802G>A, p.Glu934= (NM_001321148.2); c.2784G>A, p.Glu928= (NM_001321149.2); c.2724G>A, p.Glu908= (NM_001351202.2); c.2799G>A, p.Glu933= (NM_001351203.2).
Identifiers: ClinVar variation 3053095 (VCV003053095.2), dbSNP rs369370569, ClinGen allele CA8762257.
Genomic context (GRCh38, chr17:75,495,327, plus strand): 5'-GGCTTTTGTCCCCACAGTGTCCCGAGATGATGCAGAAGGGCTCCTCCTCATGGAGGAGGA[G>A]GGCCACTCGGACCTCATCAGCTTCCAGCCTACGGACAGCGACATCCCCAGCTTCCTGGAG-3'
Protein context (NP_055553.3, residues 914-934): DAEGLLLMEE[Glu924=]GHSDLISFQP